The following is an entry in ClinVar:

ClinVar aggregate classification (germline): Likely pathogenic (1 of 4 stars; one submission).

Submission:

Mayo Clinic Laboratories, Mayo Clinic
Classification: Likely pathogenic. Last evaluated: 2022-03-29. Review status: criteria provided, single submitter. Criteria: ACMG Guidelines, 2015. Collection method: clinical testing. Allele origin: germline. Observed: 1 variant allele.
Comment: PM2, PVS1

NM_000093.5(COL5A1):c.4820del (p.Gly1607fs)

Genes: COL5A1 (collagen type V alpha 1 chain; plus strand), LOC101448202 (uncharacterized LOC101448202; minus strand). Cytogenetic location: 9q34.3.
Variant type: Deletion.
Coding change: c.4820del on transcript NM_000093.5 (MANE Select); coding-DNA position 4820, one base deleted (G; older notation c.4820delG).
Protein change: p.Gly1607fs; shifts the reading frame from glycine 1607.
Molecular consequence: frameshift variant.
Genome position (GRCh38, 1-based): chr9:134,824,721, G deleted; the last of 2 consecutive G bases (chr9:134,824,720-134,824,721); deleting either gives the same sequence. VCF-style (leftmost placement, unchanged base first): chr9-134824719-CG-C. GRCh37 (hg19) VCF-style: chr9-137716565-CG-C.
Other names: p.Gly1607Alafs*12; c.4820delG, p.Gly1607Alafs (NM_000093.4); c.4820del, p.Gly1607fs (NM_001278074.1); short protein forms G1607fs.
Identifiers: ClinVar variation 2683664 (VCV002683664.1), dbSNP rs2490880722, ClinGen allele CA2697558191.
Genomic context (GRCh38, chr9:134,824,719, plus strand): 5'-CATCGACGCCAGCCAGCTGCTGGACGACGGGAATGGCGAGAACTACGTGGACTACGCGGA[CG>C]GCATGGAAGAGATCTTCGGCTCTCTCAACTCTCTGAAGCTGGAGATTGAGCAGATGAAAC-3'